The following is an entry in ClinVar:

NM_001080467.3(MYO5B):c.3296G>A (p.Arg1099Gln)

Gene: MYO5B (myosin VB; minus strand). Cytogenetic location: 18q21.1.
Variant type: single nucleotide variant.
Coding change: c.3296G>A on transcript NM_001080467.3 (MANE Select); coding-DNA position 3296, G replaced by A.
Protein change: p.Arg1099Gln; replaces arginine 1099 with glutamine.
Molecular consequence: missense variant.
Genome position (GRCh38, 1-based): chr18:49,877,863, C>T on the plus strand (G>A on the coding strand, the complement: MYO5B is on the minus strand). VCF-style: chr18-49877863-C-T. GRCh37 (hg19) VCF-style: chr18-47404233-C-T.
Other names: c.3296G>A (NM_001080467.2); short protein forms R1099Q.
Identifiers: ClinVar variation 1473446 (VCV001473446.11), dbSNP rs377018425, ClinGen allele CA8960763.

ClinVar aggregate classification (germline): Uncertain significance. Review status: criteria provided, multiple submitters, no conflicts (2 of 4 stars). 4 submissions from 4 submitters: Uncertain significance (3). 1 of the submissions does not count toward it. Last evaluated 2026-04-27.

Conditions:
Inborn genetic diseases. Identifiers: MedGen C0950123, MeSH D030342.
EBV-positive nodal T- and NK-cell lymphoma.
MYO5B-related disorder. Also called: MYO5B-related condition.

Allele frequency attached by ClinVar (database versions not stated): gnomAD exomes 0.00002; gnomAD 0.00007 and 0.00009; ESP Exome Variant Server 0.00008; TOPMed 0.00017.
gnomAD v4.1: 49 of 1,613,948 alleles (0.003%); highest among the groups gnomAD compares: African/African-American, 0.025%; no homozygotes.

Submissions (4):

PreventionGenetics, part of Exact Sciences
Classification: Uncertain significance for MYO5B-related condition. Last evaluated: 2026-04-27. Review status: criteria provided, single submitter. Criteria: ACMG Guidelines, 2015. Collection method: clinical testing. Allele origin: germline.
Comment: The MYO5B c.3296G>A variant is predicted to result in the amino acid substitution p.Arg1099Gln. To our knowledge, this variant has not been reported in the literature. This variant is reported in 0.031% of alleles in individuals of Latino descent in gnomAD. At this time, the clinical significance of this variant is uncertain due to the absence of conclusive functional and genetic evidence.

Labcorp Genetics (formerly Invitae), Labcorp
Classification: Uncertain significance. Last evaluated: 2026-01-26. Review status: criteria provided, single submitter. Criteria: Invitae Variant Classification Sherloc (09022015). Collection method: clinical testing. Allele origin: germline.
Comment: This sequence change replaces arginine, which is basic and polar, with glutamine, which is neutral and polar, at codon 1099 of the MYO5B protein (p.Arg1099Gln). This variant is present in population databases (rs377018425, gnomAD 0.03%). This variant has not been reported in the literature in individuals affected with MYO5B-related conditions. ClinVar contains an entry for this variant (Variation ID: 1473446). Invitae Evidence Modeling of protein sequence and biophysical properties (such as structural, functional, and spatial information, amino acid conservation, physicochemical variation, residue mobility, and thermodynamic stability) indicates that this missense variant is not expected to disrupt MYO5B protein function with a negative predictive value of 80%. In summary, the available evidence is currently insufficient to determine the role of this variant in disease. Therefore, it has been classified as a Variant of Uncertain Significance.

Ambry Genetics
Classification: Uncertain significance for Inborn genetic diseases. Last evaluated: 2024-04-23. Review status: criteria provided, single submitter. Criteria: Ambry Variant Classification Scheme 2023. Collection method: clinical testing. Allele origin: germline.

Department of Clinical Pathology, School of Medicine, Fujita Health University
Classification: Likely benign for EBV-positive nodal T- and NK-cell lymphoma. Review status: no assertion criteria provided. Collection method: research. Allele origin: unknown. Affected: yes. Not counted in ClinVar's aggregate classification.